The following is an entry in ClinVar:

ClinVar aggregate classification (germline): Pathogenic/Likely pathogenic. Review status: criteria provided, multiple submitters, no conflicts (2 of 4 stars). 4 submissions from 4 submitters: Pathogenic (3); Likely pathogenic (1). Last evaluated 2025-08-04.

Conditions:
Carnitine deficiency. Identifiers: MedGen C1142132.
Renal carnitine transport defect (CDSP). Also called: Systemic primary carnitine deficiency; Carnitine transporter deficiency; Carnitine Deficiency, Systemic; CARNITINE DEFICIENCY, SYSTEMIC, DUE TO DEFECT IN RENAL REABSORPTION OF CARNITINE; CARNITINE TRANSPORTER, PLASMA-MEMBRANE, DEFICIENCY OF; CARNITINE UPTAKE DEFECT. Identifiers: Orphanet 158, MedGen C0342788, MONDO:0008919, OMIM 212140.

Allele frequency attached by ClinVar (database versions not stated): ExAC 0.00001; gnomAD 0.00001 and 0.00002; gnomAD exomes 0.00001; ESP Exome Variant Server 0.00008.
gnomAD v4.1: 29 of 1,613,896 alleles (0.0018%); highest among the groups gnomAD compares: East Asian, 0.0067%; no homozygotes.

Submissions (4):

First Genomix Gene Laboratory, Genetic Diagnostics Department
Classification: Pathogenic for Renal carnitine transport defect. Last evaluated: 2025-08-04. Review status: criteria provided, single submitter. Criteria: ACMG Guidelines, 2015. Collection method: clinical testing. Allele origin: germline. Inheritance: Autosomal recessive inheritance. Affected: no. Observed: 1 variant allele.

Labcorp Genetics (formerly Invitae), Labcorp
Classification: Pathogenic for Renal carnitine transport defect. Last evaluated: 2025-03-05. Review status: criteria provided, single submitter. Criteria: Invitae Variant Classification Sherloc (09022015). Collection method: clinical testing. Allele origin: germline.
Comment: This sequence change replaces serine, which is neutral and polar, with phenylalanine, which is neutral and non-polar, at codon 280 of the SLC22A5 protein (p.Ser280Phe). This variant is present in population databases (rs386134208, gnomAD 0.006%). This missense change has been observed in individual(s) with primary carnitine deficiency (PMID: 28841266, 29132460). ClinVar contains an entry for this variant (Variation ID: 1451545). Invitae Evidence Modeling of protein sequence and biophysical properties (such as structural, functional, and spatial information, amino acid conservation, physicochemical variation, residue mobility, and thermodynamic stability) indicates that this missense variant is expected to disrupt SLC22A5 protein function with a positive predictive value of 95%. Experimental studies have shown that this missense change affects SLC22A5 function (PMID: 28841266). This variant disrupts the p.Ser280 amino acid residue in SLC22A5. Other variant(s) that disrupt this residue have been determined to be pathogenic (internal data). This suggests that this residue is clinically significant, and that variants that disrupt this residue are likely to be disease-causing. For these reasons, this variant has been classified as Pathogenic.

Natera, Inc.
Classification: Likely pathogenic for Carnitine deficiency. Last evaluated: 2024-10-07. Review status: criteria provided, single submitter. Criteria: Natera Variant Classification Schema (03/2026). Collection method: clinical testing. Allele origin: germline.
Comment: The c.839C>T variant in SLC22A5 is a missense variant predicted to cause substitution of serine to phenylalanine at amino acid 280. This variant is rare in the general population with a frequency below the threshold expected for the associated phenotype(s). This variant has been observed in one or more individuals affected with the associated recessive disease, as either homozygous or compound heterozygous with a second variant (PMID: 23798014, 34394177, 36636599, 37979236). Functional studies show that this variant may disrupt protein function (PMID: 16652335). Computational prediction algorithms indicate this variant is likely to affect gene or protein function. Given the available evidence, this variant is classified as Likely Pathogenic.

Fulgent Genetics
Classification: Pathogenic for Renal carnitine transport defect. Last evaluated: 2024-05-10. Review status: criteria provided, single submitter. Criteria: ACMG Guidelines, 2015. Collection method: clinical testing. Allele origin: germline.

Literature cited by the submitters: PubMed 28841266 (cited by Labcorp Genetics (formerly Invitae), Labcorp); PubMed 29132460 (cited by Labcorp Genetics (formerly Invitae), Labcorp); PubMed 23798014 (cited by Natera, Inc.); PubMed 34394177 (cited by Natera, Inc.); PubMed 36636599 (cited by Natera, Inc.); PubMed 37979236 (cited by Natera, Inc.); PubMed 16652335 (cited by Natera, Inc.).

NM_003060.4(SLC22A5):c.839C>T (p.Ser280Phe)

Gene: SLC22A5 (solute carrier family 22 member 5; plus strand). Cytogenetic location: 5q31.1.
Variant type: single nucleotide variant.
Coding change: c.839C>T on transcript NM_003060.4 (MANE Select); coding-DNA position 839, C replaced by T.
Protein change: p.Ser280Phe; replaces serine 280 with phenylalanine.
Molecular consequence: missense variant.
Genome position (GRCh38, 1-based): chr5:132,387,039, C>T. VCF-style: chr5-132387039-C-T. GRCh37 (hg19) VCF-style: chr5-131722731-C-T.
Other names: c.911C>T, p.Ser304Phe (NM_001308122.2); c.839C>T (NM_003060.3); short protein forms S304F.
Identifiers: ClinVar variation 1451545 (VCV001451545.12), dbSNP rs386134208, ClinGen allele CA342659.